The following is an entry in ClinVar:

NC_000012.12:g.(?_8857487)_(8861317_?)del

Gene: A2ML1 (alpha-2-macroglobulin like 1; plus strand). Cytogenetic location: 12p13.31.
Variant type: Deletion.
Identifiers: ClinVar variation 639374 (VCV000639374.7).

ClinVar aggregate classification (germline): Uncertain significance (1 of 4 stars; one submission).

Submission:

Labcorp Genetics (formerly Invitae), Labcorp
Classification: Uncertain significance. Last evaluated: 2024-01-15. Review status: criteria provided, single submitter. Criteria: Invitae Variant Classification Sherloc (09022015). Collection method: clinical testing. Allele origin: germline.
Comment: This variant is a gross deletion of the genomic region encompassing exon(s) 25-28 of the A2ML1 gene. This variant would be expected to be in-frame, preserving the integrity of the reading frame. This variant has not been reported in the literature in individuals affected with A2ML1-related conditions. In summary, the available evidence is currently insufficient to determine the role of this variant in disease. Therefore, it has been classified as a Variant of Uncertain Significance.